The following is an entry in ClinVar:

NM_000038.6(APC):c.4702G>A (p.Asp1568Asn)

Gene: APC (APC regulator of Wnt signaling pathway; plus strand). Cytogenetic location: 5q22.2.
Variant type: single nucleotide variant.
Coding change: c.4702G>A on transcript NM_000038.6 (MANE Select); coding-DNA position 4702, G replaced by A.
Protein change: p.Asp1568Asn; replaces aspartic acid 1568 with asparagine.
Molecular consequence: missense variant.
Genome position (GRCh38, 1-based): chr5:112,840,296, G>A. VCF-style: chr5-112840296-G-A. GRCh37 (hg19) VCF-style: chr5-112175993-G-A.
Other names: c.4702G>A, p.Asp1568Asn (NM_001127510.3, NM_001354895.2, NM_001407450.1); c.4648G>A, p.Asp1550Asn (NM_001127511.3); c.4756G>A, p.Asp1586Asn (NM_001354896.2, NM_001407447.1, NM_001407448.1 and 1 more transcripts); c.4732G>A, p.Asp1578Asn (NM_001354897.2); c.4627G>A, p.Asp1543Asn (NM_001354898.2); c.4618G>A, p.Asp1540Asn (NM_001354899.2); c.4579G>A, p.Asp1527Asn (NM_001354900.2); c.4525G>A, p.Asp1509Asn (NM_001354901.2, NM_001407453.1); and 12 more; short protein forms D1485N, D1442N, D1477N, D1509N, D1527N, D1543N, D1558N, D1184N.
Identifiers: ClinVar variation 2202284 (VCV002202284.5), dbSNP rs1554086115, ClinGen allele CA16031640.
Genomic context (GRCh38, chr5:112,840,296, plus strand): 5'-AACCAAGAGAAAGAGGCAGAAAAAACTATTGATTCTGAAAAGGACCTATTAGATGATTCA[G>A]ATGATGATGATATTGAAATACTAGAAGAATGTATTATTTCTGCCATGCCAACAAAGTCAT-3'
Protein context (NP_000029.2, residues 1558-1578): DSEKDLLDDS[Asp1568Asn]DDDIEILEEC

ClinVar aggregate classification (germline): Uncertain significance. Review status: criteria provided, multiple submitters, no conflicts (2 of 4 stars). 2 submissions from 2 submitters: Uncertain significance (2). Last evaluated 2024-07-28.

Conditions:
Familial adenomatous polyposis 1 (FAP1). Also called: FAMILIAL ADENOMATOUS POLYPOSIS 1, ATTENUATED; POLYPOSIS, ADENOMATOUS INTESTINAL. Identifiers: MedGen C2713442, MONDO:0021056, OMIM 175100. Disease mechanism: loss of function.
Hereditary cancer-predisposing syndrome. Also called: Tumor predisposition; Hereditary neoplastic syndrome; Neoplastic Syndromes, Hereditary; Hereditary Cancer Syndrome. Identifiers: Orphanet 140162, MedGen C0027672, MeSH D009386, MONDO:0015356.

Submissions (2):

Ambry Genetics
Classification: Uncertain significance for Hereditary cancer-predisposing syndrome. Last evaluated: 2024-07-28. Review status: criteria provided, single submitter. Criteria: Ambry Variant Classification Scheme 2023. Collection method: clinical testing. Allele origin: germline.
Comment: The p.D1568N variant (also known as c.4702G>A), located in coding exon 15 of the APC gene, results from a G to A substitution at nucleotide position 4702. The aspartic acid at codon 1568 is replaced by asparagine, an amino acid with highly similar properties. This amino acid position is conserved. In addition, in silico predictors for this gene do not accurately predict pathogenicity. Based on the available evidence, the clinical significance of this variant remains unclear.

Labcorp Genetics (formerly Invitae), Labcorp
Classification: Uncertain significance for Familial adenomatous polyposis 1. Last evaluated: 2022-04-05. Review status: criteria provided, single submitter. Criteria: Invitae Variant Classification Sherloc (09022015). Collection method: clinical testing. Allele origin: germline.
Comment: In summary, the available evidence is currently insufficient to determine the role of this variant in disease. Therefore, it has been classified as a Variant of Uncertain Significance. Algorithms developed to predict the effect of missense changes on protein structure and function are either unavailable or do not agree on the potential impact of this missense change (SIFT: "Tolerated"; PolyPhen-2: "Probably Damaging"; Align-GVGD: "Class C0"). This variant has not been reported in the literature in individuals affected with APC-related conditions. This variant is not present in population databases (gnomAD no frequency). This sequence change replaces aspartic acid, which is acidic and polar, with asparagine, which is neutral and polar, at codon 1568 of the APC protein (p.Asp1568Asn).